The following is an entry in ClinVar:

ClinVar aggregate classification (germline): Uncertain significance. Review status: criteria provided, multiple submitters, no conflicts (2 of 4 stars). 3 submissions from 3 submitters: Uncertain significance (3). Last evaluated 2026-08-01.

Conditions:
Glycogen storage disease due to muscle beta-enolase deficiency (GSD13). Also called: ENOLASE 3 DEFICIENCY; ENOLASE-BETA DEFICIENCY; GSD XIII; Glycogen Storage Disease Type XIII. Identifiers: Orphanet 99849, MedGen C2752027, MONDO:0013046, OMIM 612932.
Inborn genetic diseases. Identifiers: MedGen C0950123, MeSH D030342.

Allele frequency attached by ClinVar (database versions not stated): ExAC 0.00002; gnomAD exomes 0.00004 and 0.00005; gnomAD 0.00005; TOPMed 0.00005; ESP Exome Variant Server 0.00008.
gnomAD v4.1: 71 of 1,614,130 alleles (0.0044%); highest among the groups gnomAD compares: Non-Finnish European, 0.0055%; no homozygotes.

Submissions (3):

CeGaT Center for Human Genetics Tuebingen
Classification: Uncertain significance. Last evaluated: 2026-08-01. Review status: criteria provided, single submitter. Criteria: CeGaT Center For Human Genetics Tuebingen Variant Classification Criteria Version 2. Collection method: clinical testing. Allele origin: germline. Affected: yes. Observed: 1 variant allele.
Comment: ENO3: PM2

Ambry Genetics
Classification: Uncertain significance for Inborn genetic diseases. Last evaluated: 2023-02-15. Review status: criteria provided, single submitter. Criteria: Ambry Variant Classification Scheme 2023. Collection method: clinical testing. Allele origin: germline.

Labcorp Genetics (formerly Invitae), Labcorp
Classification: Uncertain significance for Glycogen storage disease due to muscle beta-enolase deficiency. Last evaluated: 2021-12-01. Review status: criteria provided, single submitter. Criteria: Invitae Variant Classification Sherloc (09022015). Collection method: clinical testing. Allele origin: germline.
Comment: This sequence change replaces glutamic acid, which is acidic and polar, with lysine, which is basic and polar, at codon 278 of the ENO3 protein (p.Glu278Lys). This variant is present in population databases (rs370822982, gnomAD 0.01%). This variant has not been reported in the literature in individuals affected with ENO3-related conditions. Algorithms developed to predict the effect of missense changes on protein structure and function (SIFT, PolyPhen-2, Align-GVGD) all suggest that this variant is likely to be tolerated. In summary, the available evidence is currently insufficient to determine the role of this variant in disease. Therefore, it has been classified as a Variant of Uncertain Significance.

NM_053013.4(ENO3):c.832G>A (p.Glu278Lys)

Gene: ENO3 (enolase 3; plus strand). Cytogenetic location: 17p13.2.
Variant type: single nucleotide variant.
Coding change: c.832G>A on transcript NM_053013.4 (MANE Select); coding-DNA position 832, G replaced by A.
Protein change: p.Glu278Lys; replaces glutamic acid 278 with lysine.
Molecular consequence: missense variant.
Genome position (GRCh38, 1-based): chr17:4,955,571, G>A. VCF-style: chr17-4955571-G-A. GRCh37 (hg19) VCF-style: chr17-4858866-G-A.
Other names: c.703G>A, p.Glu235Lys (NM_001193503.2); c.832G>A, p.Glu278Lys (NM_001374523.1, NM_001976.5); c.859G>A, p.Glu287Lys (NM_001374524.1); c.832G>A (NM_053013.3); short protein forms E278K, E287K, E235K.
Identifiers: ClinVar variation 1371345 (VCV001371345.5), dbSNP rs370822982, ClinGen allele CA8316448.